The following is an entry in ClinVar:

NM_173477.5(USH1G):c.542T>C (p.Leu181Pro)

Gene: USH1G (USH1 protein network component sans; minus strand). Cytogenetic location: 17q25.1.
Variant type: single nucleotide variant.
Coding change: c.542T>C on transcript NM_173477.5 (MANE Select); coding-DNA position 542, T replaced by C.
Protein change: p.Leu181Pro; replaces leucine 181 with proline.
Molecular consequence: missense variant.
Genome position (GRCh38, 1-based): chr17:74,920,294, A>G on the plus strand (T>C on the coding strand, the complement: USH1G is on the minus strand). VCF-style: chr17-74920294-A-G. GRCh37 (hg19) VCF-style: chr17-72916389-A-G.
Other names: c.233T>C, p.Leu78Pro (NM_001282489.3); short protein forms L181P, L78P.
Identifiers: ClinVar variation 2101434 (VCV002101434.2), dbSNP rs1316076177, ClinGen allele CA400964751.

ClinVar aggregate classification (germline): Uncertain significance. Review status: criteria provided, multiple submitters, no conflicts (2 of 4 stars). 2 submissions from 2 submitters: Uncertain significance (2). Last evaluated 2022-09-13.

Allele frequency attached by ClinVar (database versions not stated): gnomAD exomes below 0.00001; TOPMed 0.00001.

Submissions (2):

Labcorp Genetics (formerly Invitae), Labcorp
Classification: Uncertain significance. Last evaluated: 2022-09-13. Review status: criteria provided, single submitter. Criteria: Invitae Variant Classification Sherloc (09022015). Collection method: clinical testing. Allele origin: germline.
Comment: This sequence change replaces leucine, which is neutral and non-polar, with proline, which is neutral and non-polar, at codon 181 of the USH1G protein (p.Leu181Pro). This variant is present in population databases (no rsID available, gnomAD 0.003%). This variant has not been reported in the literature in individuals affected with USH1G-related conditions. Advanced modeling of protein sequence and biophysical properties (such as structural, functional, and spatial information, amino acid conservation, physicochemical variation, residue mobility, and thermodynamic stability) performed at Invitae indicates that this missense variant is not expected to disrupt USH1G protein function. In summary, the available evidence is currently insufficient to determine the role of this variant in disease. Therefore, it has been classified as a Variant of Uncertain Significance.

Blueprint Genetics
Classification: Uncertain significance. Last evaluated: 2022-07-27. Review status: criteria provided, single submitter. Criteria: ACMG Guidelines, 2015. Collection method: clinical testing. Allele origin: germline.